The following is an entry in ClinVar:

NM_000179.3(MSH6):c.2331G>A (p.Trp777Ter)

Gene: MSH6 (mutS homolog 6; plus strand). Cytogenetic location: 2p16.3.
Variant type: single nucleotide variant.
Coding change: c.2331G>A on transcript NM_000179.3 (MANE Select); coding-DNA position 2331, G replaced by A.
Protein change: p.Trp777Ter; replaces tryptophan 777 with a stop codon.
Molecular consequence: nonsense.
Genome position (GRCh38, 1-based): chr2:47,800,314, G>A. VCF-style: chr2-47800314-G-A. GRCh37 (hg19) VCF-style: chr2-48027453-G-A.
Other names: c.1941G>A, p.Trp647Ter (NM_001281492.2); c.1425G>A, p.Trp475Ter (NM_001281493.2, NM_001281494.2); short protein forms W777*, W475*, W647*.
Identifiers: ClinVar variation 232869 (VCV000232869.6), dbSNP rs876660037, ClinGen allele CA10578104.

ClinVar aggregate classification (germline): Pathogenic. Review status: criteria provided, multiple submitters, no conflicts (2 of 4 stars). 2 submissions from 2 submitters: Pathogenic (2). Last evaluated 2023-08-16.

Conditions:
Hereditary cancer-predisposing syndrome. Also called: Neoplastic Syndromes, Hereditary; Tumor predisposition; Hereditary Cancer Syndrome; Hereditary neoplastic syndrome. Identifiers: Orphanet 140162, MedGen C0027672, MeSH D009386, MONDO:0015356.
Lynch syndrome 5 (LYNCH5). Also called: Colorectal cancer, hereditary nonpolyposis, type 5; Hereditary non-polyposis colorectal cancer, type 5. Identifiers: Orphanet 144, MedGen C1833477, MONDO:0013710, OMIM 614350. Disease mechanism: loss of function.

Submissions (2):

Myriad Genetics, Inc.
Classification: Pathogenic for Lynch syndrome 5. Last evaluated: 2023-08-16. Review status: criteria provided, single submitter. Criteria: Myriad Autosomal Dominant, Autosomal Recessive and X-Linked Classification Criteria (2023). Collection method: clinical testing. Allele origin: unknown.
Comment: This variant is considered pathogenic. This variant creates a termination codon and is predicted to result in premature protein truncation.

Ambry Genetics
Classification: Pathogenic for Hereditary cancer-predisposing syndrome. Last evaluated: 2021-12-30. Review status: criteria provided, single submitter. Criteria: Ambry Variant Classification Scheme 2023. Collection method: clinical testing. Allele origin: germline.
Comment: The p.W777* pathogenic mutation (also known as c.2331G>A), located in coding exon 4 of the MSH6 gene, results from a G to A substitution at nucleotide position 2331. This changes the amino acid from a tryptophan to a stop codon within coding exon 4. This alteration is expected to result in loss of function by premature protein truncation or nonsense-mediated mRNA decay. As such, this alteration is interpreted as a disease-causing mutation.